The following is an entry in ClinVar:

NM_001723.7(DST):c.6087C>T (p.Val2029=)

Gene: DST (dystonin; minus strand). Cytogenetic location: 6p12.1.
Variant type: single nucleotide variant.
Coding change: c.6087C>T on transcript NM_001723.7 (MANE Plus Clinical); coding-DNA position 6087, C replaced by T.
Protein change: p.Val2029=; no amino-acid change (valine 2029 retained).
Molecular consequence: synonymous variant. On other transcripts: intron variant (10).
Genome position (GRCh38, 1-based): chr6:56,617,380, G>A on the plus strand (C>T on the coding strand, the complement: DST is on the minus strand). VCF-style: chr6-56617380-G-A. GRCh37 (hg19) VCF-style: chr6-56482178-G-A.
Other names: c.4831-2896C>T (NM_001144769.5); c.4930-2896C>T (NM_001374722.1, NM_001374736.1); c.4957-2896C>T (NM_001374734.1); c.4417-2896C>T (NM_001144770.2); c.4297-2896C>T (NM_001374730.1, NM_001386100.1, NM_183380.4 and 1 more transcripts); c.3319-2896C>T (NM_015548.5).
Identifiers: ClinVar variation 5040024 (VCV005040024.1).

ClinVar aggregate classification (germline): Likely benign (1 of 4 stars; one submission).

gnomAD v4.1: 1 of 1,613,632 alleles (0.000062%); highest among the groups gnomAD compares: South Asian, 0.0011%; no homozygotes.

Submission:

CeGaT Center for Human Genetics Tuebingen
Classification: Likely benign. Last evaluated: 2026-07-01. Review status: criteria provided, single submitter. Criteria: CeGaT Center For Human Genetics Tuebingen Variant Classification Criteria Version 2. Collection method: clinical testing. Allele origin: germline. Affected: yes. Observed: 1 variant allele.
Comment: DST: BP4, BP7